The following is an entry in ClinVar:

ClinVar aggregate classification (germline): Likely benign (1 of 4 stars; one submission).

Submission:

Mayo Clinic Laboratories, Mayo Clinic
Classification: Likely benign. Last evaluated: 2025-10-18. Review status: criteria provided, single submitter. Criteria: ACMG Guidelines, 2015. Collection method: clinical testing. Allele origin: germline. Observed: 1 variant allele.
Comment: BP4, BP7, PM2_supporting

NM_001454.4(FOXJ1):c.366T>A (p.Pro122=)

Gene: FOXJ1 (forkhead box J1; minus strand). Cytogenetic location: 17q25.1.
Variant type: single nucleotide variant.
Coding change: c.366T>A on transcript NM_001454.4 (MANE Select); coding-DNA position 366, T replaced by A.
Protein change: p.Pro122=; no amino-acid change (proline 122 retained).
Molecular consequence: synonymous variant.
Genome position (GRCh38, 1-based): chr17:76,140,030, A>T on the plus strand (T>A on the coding strand, the complement: FOXJ1 is on the minus strand). VCF-style: chr17-76140030-A-T. GRCh37 (hg19) VCF-style: chr17-74136111-A-T.
Other names: p.Pro122=.
Identifiers: ClinVar variation 4684253 (VCV004684253.1).